The following is an entry in ClinVar:

NM_182925.5(FLT4):c.1582G>A (p.Val528Met)

Gene: FLT4 (fms related receptor tyrosine kinase 4; minus strand). Cytogenetic location: 5q35.3.
Variant type: single nucleotide variant.
Coding change: c.1582G>A on transcript NM_182925.5 (MANE Select); coding-DNA position 1582, G replaced by A.
Protein change: p.Val528Met; replaces valine 528 with methionine.
Molecular consequence: missense variant.
Genome position (GRCh38, 1-based): chr5:180,622,806, C>T on the plus strand (G>A on the coding strand, the complement: FLT4 is on the minus strand). VCF-style: chr5-180622806-C-T. GRCh37 (hg19) VCF-style: chr5-180049806-C-T.
Other names: c.1582G>A, p.Val528Met (NM_001354989.2, NM_002020.5); short protein forms V528M.
Identifiers: ClinVar variation 4981384 (VCV004981384.1).

ClinVar aggregate classification (germline): Uncertain significance (1 of 4 stars; one submission).

Conditions:
FLT4-related disorder. Also called: FLT4-related condition.

gnomAD v4.1: 10 of 1,613,552 alleles (0.00062%); highest among the groups gnomAD compares: East Asian, 0.0045%; no homozygotes.

Submission:

PreventionGenetics, part of Exact Sciences
Classification: Uncertain significance for FLT4-related condition. Last evaluated: 2025-12-17. Review status: criteria provided, single submitter. Criteria: ACMG Guidelines, 2015. Collection method: clinical testing. Allele origin: germline.
Comment: The FLT4 c.1582G>A variant is predicted to result in the amino acid substitution p.Val528Met. To our knowledge, this variant has not been reported in the literature. This variant is reported in 0.0062% of alleles in individuals of African descent in gnomAD. At this time, the clinical significance of this variant is uncertain due to the absence of conclusive functional and genetic evidence.